The following is an entry in ClinVar:

NM_006618.5(KDM5B):c.4382G>A (p.Arg1461His)

Gene: KDM5B (lysine demethylase 5B; minus strand). Cytogenetic location: 1q32.1.
Variant type: single nucleotide variant.
Coding change: c.4382G>A on transcript NM_006618.5 (MANE Select); coding-DNA position 4382, G replaced by A.
Protein change: p.Arg1461His; replaces arginine 1461 with histidine.
Molecular consequence: missense variant.
Genome position (GRCh38, 1-based): chr1:202,729,822, C>T on the plus strand (G>A on the coding strand, the complement: KDM5B is on the minus strand). VCF-style: chr1-202729822-C-T. GRCh37 (hg19) VCF-style: chr1-202698950-C-T.
Other names: c.4490G>A, p.Arg1497His (NM_001314042.2); c.4247G>A, p.Arg1416His (NM_001347591.2); c.4367G>A, p.Arg1456His (NM_001399817.1); c.4382G>A (NM_006618.4); short protein forms R1456H, R1416H, R1461H, R1497H.
Identifiers: ClinVar variation 2317830 (VCV002317830.5), dbSNP rs139343230, ClinGen allele CA1333964.

ClinVar aggregate classification (germline): Conflicting classifications of pathogenicity. Review status: criteria provided, conflicting classifications (1 of 4 stars). 3 submissions from 3 submitters: Uncertain significance (1); Likely benign (1). 1 of the submissions does not count toward it. Last evaluated 2025-04-14.

Conditions:
Inborn genetic diseases. Identifiers: MedGen C0950123, MeSH D030342.
KDM5B-related disorder. Also called: KDM5B-related condition.

Allele frequency attached by ClinVar (database versions not stated): ESP Exome Variant Server 0.00031.

Submissions (3):

GeneDx
Classification: Uncertain significance. Last evaluated: 2025-04-14. Review status: criteria provided, single submitter. Criteria: GeneDx Variant Classification Process June 2021. Collection method: clinical testing. Allele origin: germline. Affected: yes.
Comment: In silico analysis indicates that this missense variant does not alter protein structure/function; Has not been previously published as pathogenic or benign to our knowledge

Ambry Genetics
Classification: Likely benign for Inborn genetic diseases. Last evaluated: 2021-11-19. Review status: criteria provided, single submitter. Criteria: Ambry Variant Classification Scheme 2023. Collection method: clinical testing. Allele origin: germline.

PreventionGenetics, part of Exact Sciences
Classification: Likely benign for KDM5B-related condition. Last evaluated: 2023-09-29. Review status: no assertion criteria provided. Collection method: clinical testing. Allele origin: germline. Not counted in ClinVar's aggregate classification.
Comment: This variant is classified as likely benign based on ACMG/AMP sequence variant interpretation guidelines (Richards et al. 2015 PMID: 25741868, with internal and published modifications).